The following is an entry in ClinVar:

ClinVar aggregate classification (germline): Conflicting classifications of pathogenicity. Review status: criteria provided, conflicting classifications (1 of 4 stars). 2 submissions from 1 submitter: Uncertain significance (1); Benign (1). Last evaluated 2018-01-13.

Conditions:
Hypoalphalipoproteinemia, primary, 1. Identifiers: Orphanet 425, MedGen C5231558, MONDO:0011393, OMIM 604091.
Tangier disease (TGD). Also called: HIGH DENSITY LIPOPROTEIN DEFICIENCY, TANGIER TYPE; HIGH DENSITY LIPOPROTEIN DEFICIENCY, TYPE 1; Cholesterol thesaurismosis. Identifiers: Orphanet 31150, MedGen C0039292, MONDO:0008783, OMIM 205400.

Allele frequency attached by ClinVar (database versions not stated): TOPMed 0.00014; gnomAD 0.00015 and 0.00018; 1000 Genomes Project 30x 0.00031; 1000 Genomes Project 0.00040.
gnomAD v4.1: 26 of 144,474 alleles (0.018%); highest among the groups gnomAD compares: South Asian, 0.18%; 1 homozygote.

Submissions (2):

Illumina Laboratory Services, Illumina
Classification: Uncertain significance for Tangier disease. Last evaluated: 2018-01-13. Review status: criteria provided, single submitter. Criteria: ICSL Variant Classification Criteria 13 December 2019. Collection method: clinical testing. Allele origin: germline.

Illumina Laboratory Services, Illumina
Classification: Benign for Hypoalphalipoproteinemia, primary, 1. Last evaluated: 2018-01-13. Review status: criteria provided, single submitter. Criteria: ICSL Variant Classification Criteria 13 December 2019. Collection method: clinical testing. Allele origin: germline.
Comment: This variant was observed in the ICSL laboratory as part of a predisposition screen in an ostensibly healthy population. It had not been previously curated by ICSL or reported in the Human Gene Mutation Database (HGMD: prior to June 1st, 2018), and was therefore a candidate for classification through an automated scoring system. Utilizing variant allele frequency, disease prevalence and penetrance estimates, and inheritance mode, an automated score was calculated to assess if this variant is too frequent to cause the disease. Based on the score and internal cut-off values, a variant classified as benign is not then subjected to further curation. The score for this variant resulted in a classification of benign for this disease.

NM_005502.4(ABCA1):c.*1476A>G

Genes: ABCA1 (ATP binding cassette subfamily A member 1; minus strand), NIPSNAP3B (nipsnap homolog 3B; plus strand). Cytogenetic location: 9q31.1.
Variant type: single nucleotide variant.
Coding change: c.*1476A>G on transcript NM_005502.4 (MANE Select); 1476 bases downstream of the stop codon, A replaced by G.
Molecular consequence: 3 prime UTR variant.
Genome position (GRCh38, 1-based): chr9:104,782,839, T>C on the plus strand (A>G on the coding strand, the complement: ABCA1 is on the minus strand). VCF-style: chr9-104782839-T-C. GRCh37 (hg19) VCF-style: chr9-107545120-T-C.
Identifiers: ClinVar variation 364348 (VCV000364348.5), dbSNP rs537176920, ClinGen allele CA10631999.